The following is an entry in ClinVar:

ClinVar aggregate classification (germline): Uncertain significance. Review status: criteria provided, multiple submitters, no conflicts (2 of 4 stars). 2 submissions from 2 submitters: Uncertain significance (2). Last evaluated 2026-01-09.

Conditions:
Inborn genetic diseases. Identifiers: MedGen C0950123, MeSH D030342.

gnomAD v4.1: 3 of 1,614,078 alleles (0.00019%); highest among the groups gnomAD compares: Non-Finnish European, 0.00025%; no homozygotes.

Submissions (2):

Ambry Genetics
Classification: Uncertain significance for Inborn genetic diseases. Last evaluated: 2026-01-09. Review status: criteria provided, single submitter. Criteria: Ambry Variant Classification Scheme 2023. Collection method: clinical testing. Allele origin: germline.

GeneDx
Classification: Uncertain significance. Last evaluated: 2025-05-30. Review status: criteria provided, single submitter. Criteria: GeneDx Variant Classification Process June 2021. Collection method: clinical testing. Allele origin: germline. Affected: yes.
Comment: Not observed at significant frequency in large population cohorts (gnomAD); In silico analysis supports that this missense variant has a deleterious effect on protein structure/function; Has not been previously published as pathogenic or benign to our knowledge

NM_080680.3(COL11A2):c.436G>T (p.Asp146Tyr)

Gene: COL11A2 (collagen type XI alpha 2 chain; minus strand). Cytogenetic location: 6p21.32.
Variant type: single nucleotide variant.
Coding change: c.436G>T on transcript NM_080680.3 (MANE Select); coding-DNA position 436, G replaced by T.
Protein change: p.Asp146Tyr; replaces aspartic acid 146 with tyrosine.
Molecular consequence: missense variant. On other transcripts: 5 prime UTR variant (3), non-coding transcript variant (1).
Genome position (GRCh38, 1-based): chr6:33,188,985, C>A on the plus strand (G>T on the coding strand, the complement: COL11A2 is on the minus strand). VCF-style: chr6-33188985-C-A. GRCh37 (hg19) VCF-style: chr6-33156762-C-A.
Other names: c.436G>T, p.Asp146Tyr (NM_001163771.2, NM_001424108.1, NM_080679.3 and 1 more transcripts); c.-411G>T (NM_001424109.1, NM_001424110.1, NM_001424111.1); short protein forms D146Y.
Identifiers: ClinVar variation 4532662 (VCV004532662.2).